The following is an entry in ClinVar:

NM_000543.5(SMPD1):c.1026G>C (p.Trp342Cys)

Gene: SMPD1 (sphingomyelin phosphodiesterase 1; plus strand). Cytogenetic location: 11p15.4.
Variant type: single nucleotide variant.
Coding change: c.1026G>C on transcript NM_000543.5 (MANE Select); coding-DNA position 1026, G replaced by C.
Protein change: p.Trp342Cys; replaces tryptophan 342 with cysteine.
Molecular consequence: missense variant. On other transcripts: non-coding transcript variant (1).
Genome position (GRCh38, 1-based): chr11:6,392,091, G>C. VCF-style: chr11-6392091-G-C. GRCh37 (hg19) VCF-style: chr11-6413321-G-C.
Other names: c.1023G>C, p.Trp341Cys (NM_001007593.3); c.1026G>C, p.Trp342Cys (NM_001318087.2, NM_001365135.2); c.65G>C, p.Gly22Ala (NM_001318088.2); short protein forms W342C, G22A, W341C.
Identifiers: ClinVar variation 550557 (VCV000550557.8), dbSNP rs281860668, ClinGen allele CA379371710.

ClinVar aggregate classification (germline): Likely pathogenic. Review status: criteria provided, multiple submitters, no conflicts (2 of 4 stars). 3 submissions from 3 submitters: Likely pathogenic (2). 1 of the submissions does not count toward it. Last evaluated 2025-10-27.

Conditions:
Niemann-Pick disease, type B. Also called: Chronic Visceral ASMD (Niemann-Pick Disease Type B; NPD-B). Identifiers: Orphanet 77293, MedGen C0268243, MONDO:0011871, OMIM 607616. Disease mechanism: loss of function.
Niemann-Pick disease, type A. Also called: Infantile Neurovisceral ASMD (Niemann-Pick Disease Type A; NPD-A); SPHINGOMYELIN LIPIDOSIS; SPHINGOMYELINASE DEFICIENCY. Identifiers: Orphanet 77292, MedGen C0268242, MONDO:0009756, OMIM 257200. Disease mechanism: loss of function.
Sphingomyelin/cholesterol lipidosis. Also called: Niemann-Pick disease. Identifiers: MedGen C0028064, MONDO:0001982.

Allele frequency attached by ClinVar (database versions not stated): gnomAD exomes 0.00001.
gnomAD v4.1: 5 of 1,614,104 alleles (0.00031%); highest among the groups gnomAD compares: Non-Finnish European, 0.00042%; no homozygotes.

Submissions (3):

Women's Health and Genetics/Laboratory Corporation of America, LabCorp
Classification: Likely pathogenic for Sphingomyelin/cholesterol lipidosis. Last evaluated: 2025-10-27. Review status: criteria provided, single submitter. Criteria: LabCorp Variant Classification Summary - May 2015. Collection method: clinical testing. Allele origin: germline.
Comment: Variant summary: SMPD1 c.1026G>C (p.Trp342Cys) results in a non-conservative amino acid change located in the Calcineurin-like phosphoesterase domain, ApaH type (IPR004843) of the encoded protein sequence. Algorithms developed to predict the effect of missense changes on protein structure and function all suggest that this variant is likely to be disruptive. The variant was absent in 251362 control chromosomes. The available data on variant occurrences in the general population are insufficient to allow any conclusion about variant significance. To our knowledge c.1026G>C has not been reported in the literature however, c.1026G>T, resulting in the same codon change p.Trp342Cys has been reported in at least one presumed compound heterozygous individual affected with Niemann-Pick Disease (Zhang_2013) and 0% enzyme activity. These data do not allow any conclusion about variant significance. The following publications have been ascertained in the context of this evaluation (PMID: 23356216, 38866761, 27435900). ClinVar contains an entry for this variant (Variation ID: 550557). Based on the evidence outlined above, the variant was classified as likely pathogenic.

Labcorp Genetics (formerly Invitae), Labcorp
Classification: Likely pathogenic for Niemann-Pick disease, type B; Niemann-Pick disease, type A. Last evaluated: 2022-11-28. Review status: criteria provided, single submitter. Criteria: Invitae Variant Classification Sherloc (09022015). Collection method: clinical testing. Allele origin: germline.
Comment: This variant is not present in population databases (gnomAD no frequency). In summary, the currently available evidence indicates that the variant is pathogenic, but additional data are needed to prove that conclusively. Therefore, this variant has been classified as Likely Pathogenic. Advanced modeling of protein sequence and biophysical properties (such as structural, functional, and spatial information, amino acid conservation, physicochemical variation, residue mobility, and thermodynamic stability) performed at Invitae indicates that this missense variant is expected to disrupt SMPD1 protein function. ClinVar contains an entry for this variant (Variation ID: 550557). This missense change has been observed in individual(s) with Niemann-Pick disease (PMID: 23356216). This sequence change replaces tryptophan, which is neutral and slightly polar, with cysteine, which is neutral and slightly polar, at codon 342 of the SMPD1 protein (p.Trp342Cys).

Counsyl
Classification: Uncertain significance for Niemann-Pick disease, type A. Last evaluated: 2017-02-01. Review status: no assertion criteria provided. Collection method: clinical testing. Allele origin: unknown. Not counted in ClinVar's aggregate classification.

Literature cited by the submitters: PubMed 23356216 (cited by Women's Health and Genetics/Laboratory Corporation of America, LabCorp and Labcorp Genetics (formerly Invitae), Labcorp); PubMed 27435900 (cited by Women's Health and Genetics/Laboratory Corporation of America, LabCorp); PubMed 38866761 (cited by Women's Health and Genetics/Laboratory Corporation of America, LabCorp).